The following is an entry in ClinVar:

NM_001163435.3(TBCK):c.194-3C>G

Gene: TBCK (TBC1 domain containing kinase; minus strand). Cytogenetic location: 4q24.
Variant type: single nucleotide variant.
Coding change: c.194-3C>G on transcript NM_001163435.3 (MANE Select); 3 bases into the intron before coding-DNA position 194, C replaced by G.
Molecular consequence: intron variant.
Genome position (GRCh38, 1-based): chr4:106,295,169, G>C on the plus strand (C>G on the coding strand, the complement: TBCK is on the minus strand). VCF-style: chr4-106295169-G-C. GRCh37 (hg19) VCF-style: chr4-107216326-G-C.
Other names: c.194-3C>G (NM_001163436.4, NM_033115.5, NM_001163437.3); c.-424-3C>G (NM_001290768.2).
Identifiers: ClinVar variation 1494956 (VCV001494956.5), dbSNP rs773178478, ClinGen allele CA3035506.

ClinVar aggregate classification (germline): Uncertain significance (1 of 4 stars; one submission).

Allele frequency attached by ClinVar (database versions not stated): gnomAD 0.00001; TOPMed 0.00001.
gnomAD v4.1: 10 of 1,608,910 alleles (0.00062%); highest among the groups gnomAD compares: Admixed American, 0.017%; no homozygotes.

Submission:

Labcorp Genetics (formerly Invitae), Labcorp
Classification: Uncertain significance. Last evaluated: 2024-12-02. Review status: criteria provided, single submitter. Criteria: Invitae Variant Classification Sherloc (09022015). Collection method: clinical testing. Allele origin: germline.
Comment: This sequence change falls in intron 2 of the TBCK gene. It does not directly change the encoded amino acid sequence of the TBCK protein. It affects a nucleotide within the consensus splice site. This variant is present in population databases (rs773178478, gnomAD 0.03%). This variant has not been reported in the literature in individuals affected with TBCK-related conditions. ClinVar contains an entry for this variant (Variation ID: 1494956). Variants that disrupt the consensus splice site are a relatively common cause of aberrant splicing (PMID: 17576681, 9536098). Algorithms developed to predict the effect of sequence changes on RNA splicing suggest that this variant may disrupt the consensus splice site. In summary, the available evidence is currently insufficient to determine the role of this variant in disease. Therefore, it has been classified as a Variant of Uncertain Significance.

Literature cited by the submitters: PubMed 17576681; PubMed 9536098.